The following is an entry in ClinVar:

NM_001330260.2(SCN8A):c.1045G>A (p.Gly349Ser)

Gene: SCN8A (sodium voltage-gated channel alpha subunit 8; plus strand). Cytogenetic location: 12q13.13.
Variant type: single nucleotide variant.
Coding change: c.1045G>A on transcript NM_001330260.2 (MANE Select); coding-DNA position 1045, G replaced by A.
Protein change: p.Gly349Ser; replaces glycine 349 with serine.
Molecular consequence: missense variant.
Genome position (GRCh38, 1-based): chr12:51,702,825, G>A. VCF-style: chr12-51702825-G-A. GRCh37 (hg19) VCF-style: chr12-52096609-G-A.
Other names: c.1045G>A, p.Gly349Ser (NM_014191.4, NM_001177984.3, NM_001369788.1); short protein forms G349S.
Identifiers: ClinVar variation 1321289 (VCV001321289.1), dbSNP rs2138742433, ClinGen allele CA385227149.

ClinVar aggregate classification (germline): Uncertain significance (1 of 4 stars; one submission).

Conditions:
Developmental and epileptic encephalopathy, 13 (DEE13). Also called: Developmental and Epileptic Encephalopathy (SCN8A-DEE); Early infantile epileptic encephalopathy 13; SCN8A-Related Epilepsy. Identifiers: Orphanet 442835, MedGen C3281191, MONDO:0013801, OMIM 614558.

Submission:

3billion
Classification: Uncertain significance for Developmental and epileptic encephalopathy, 13. Last evaluated: 2021-10-25. Review status: criteria provided, single submitter. Criteria: ACMG Guidelines, 2015. Collection method: clinical testing. Allele origin: unknown. Affected: yes. Observed: 1 heterozygote.
Comment: This variant is not observed in the gnomAD v2.1.1 dataset (PM2). In silico tool predictions suggest damaging effect of the variant on gene or gene product (REVEL: 0.945, 3Cnet: 0.967 PP3). Therefore, this variant is classified as uncertain significance according to the recommendation of ACMG/AMP guideline.